The following is an entry in ClinVar:

ClinVar aggregate classification (germline): Uncertain significance (1 of 4 stars; one submission).

Allele frequency attached by ClinVar (database versions not stated): gnomAD exomes 0.00001; ExAC 0.00002; TOPMed 0.00002; gnomAD 0.00003; ESP Exome Variant Server 0.00008.
gnomAD v4.1: 18 of 1,614,056 alleles (0.0011%); highest among the groups gnomAD compares: Admixed American, 0.0067%; no homozygotes.

Submission:

Labcorp Genetics (formerly Invitae), Labcorp
Classification: Uncertain significance. Last evaluated: 2022-06-24. Review status: criteria provided, single submitter. Criteria: Invitae Variant Classification Sherloc (09022015). Collection method: clinical testing. Allele origin: germline.
Comment: In summary, the available evidence is currently insufficient to determine the role of this variant in disease. Therefore, it has been classified as a Variant of Uncertain Significance. This sequence change replaces glutamine, which is neutral and polar, with arginine, which is basic and polar, at codon 468 of the STIL protein (p.Gln468Arg). This variant is present in population databases (rs149867741, gnomAD 0.003%). This variant has not been reported in the literature in individuals affected with STIL-related conditions. Algorithms developed to predict the effect of missense changes on protein structure and function (SIFT, PolyPhen-2, Align-GVGD) all suggest that this variant is likely to be tolerated.

NM_001048166.1(STIL):c.1403A>G (p.Gln468Arg)

Gene: STIL (STIL centriolar assembly protein; minus strand). Cytogenetic location: 1p33.
Variant type: single nucleotide variant.
Coding change: c.1403A>G on transcript NM_001048166.1 (MANE Select); coding-DNA position 1403, A replaced by G.
Protein change: p.Gln468Arg; replaces glutamine 468 with arginine.
Molecular consequence: missense variant.
Genome position (GRCh38, 1-based): chr1:47,281,055, T>C on the plus strand (A>G on the coding strand, the complement: STIL is on the minus strand). VCF-style: chr1-47281055-T-C. GRCh37 (hg19) VCF-style: chr1-47746727-T-C.
Other names: c.1403A>G, p.Gln468Arg (NM_001282936.1, NM_001282937.1, NM_003035.2); c.1262A>G, p.Gln421Arg (NM_001282938.1, NM_001282939.1, NM_001377417.1); short protein forms Q468R, Q421R.
Identifiers: ClinVar variation 1906921 (VCV001906921.5), dbSNP rs149867741, ClinGen allele CA842346.